The following is an entry in ClinVar:

NM_004655.4(AXIN2):c.733C>G (p.Pro245Ala)

Gene: AXIN2 (axin 2; minus strand). Cytogenetic location: 17q24.1.
Variant type: single nucleotide variant.
Coding change: c.733C>G on transcript NM_004655.4 (MANE Select); coding-DNA position 733, C replaced by G.
Protein change: p.Pro245Ala; replaces proline 245 with alanine.
Molecular consequence: missense variant.
Genome position (GRCh38, 1-based): chr17:65,557,888, G>C on the plus strand (C>G on the coding strand, the complement: AXIN2 is on the minus strand). VCF-style: chr17-65557888-G-C. GRCh37 (hg19) VCF-style: chr17-63554006-G-C.
Other names: c.733C>G, p.Pro245Ala (NM_001363813.1); c.733C>G (NM_004655.3); short protein forms P245A.
Identifiers: ClinVar variation 1483212 (VCV001483212.7), dbSNP rs62640028, ClinGen allele CA8719001.

ClinVar aggregate classification (germline): Uncertain significance. Review status: criteria provided, multiple submitters, no conflicts (2 of 4 stars). 2 submissions from 2 submitters: Uncertain significance (2). Last evaluated 2024-08-26.

Conditions:
Hereditary cancer-predisposing syndrome. Also called: Tumor predisposition; Hereditary Cancer Syndrome; Hereditary neoplastic syndrome; Neoplastic Syndromes, Hereditary. Identifiers: Orphanet 140162, MedGen C0027672, MeSH D009386, MONDO:0015356.
Oligodontia-cancer predisposition syndrome. Also called: TOOTH AGENESIS-COLORECTAL CANCER SYNDROME. Identifiers: Orphanet 300576, MedGen C1837750, MONDO:0012075, OMIM 608615. Disease mechanism: loss of function.

Submissions (2):

Ambry Genetics
Classification: Uncertain significance for Hereditary cancer-predisposing syndrome. Last evaluated: 2024-08-26. Review status: criteria provided, single submitter. Criteria: Ambry Variant Classification Scheme 2023. Collection method: clinical testing. Allele origin: germline.
Comment: The p.P245A variant (also known as c.733C>G), located in coding exon 1 of the AXIN2 gene, results from a C to G substitution at nucleotide position 733. The proline at codon 245 is replaced by alanine, an amino acid with highly similar properties. This amino acid position is well conserved in available vertebrate species. In addition, this alteration is predicted to be tolerated by in silico analysis. Based on the available evidence, the clinical significance of this variant remains unclear.

Labcorp Genetics (formerly Invitae), Labcorp
Classification: Uncertain significance for Oligodontia-cancer predisposition syndrome. Last evaluated: 2022-02-10. Review status: criteria provided, single submitter. Criteria: Invitae Variant Classification Sherloc (09022015). Collection method: clinical testing. Allele origin: germline.
Comment: This sequence change replaces proline, which is neutral and non-polar, with alanine, which is neutral and non-polar, at codon 245 of the AXIN2 protein (p.Pro245Ala). This variant is present in population databases (rs62640028, gnomAD 0.007%). This variant has not been reported in the literature in individuals affected with AXIN2-related conditions. Algorithms developed to predict the effect of missense changes on protein structure and function (SIFT, PolyPhen-2, Align-GVGD) all suggest that this variant is likely to be tolerated. In summary, the available evidence is currently insufficient to determine the role of this variant in disease. Therefore, it has been classified as a Variant of Uncertain Significance.